The following is an entry in ClinVar:

ClinVar aggregate classification (germline): Uncertain significance (1 of 4 stars; one submission).

Allele frequency attached by ClinVar (database versions not stated): gnomAD exomes below 0.00001.
gnomAD v4.1: 2 of 1,614,040 alleles (0.00012%); highest among the groups gnomAD compares: African/African-American, 0.0013%; no homozygotes.

Submission:

Labcorp Genetics (formerly Invitae), Labcorp
Classification: Uncertain significance. Last evaluated: 2022-10-25. Review status: criteria provided, single submitter. Criteria: Invitae Variant Classification Sherloc (09022015). Collection method: clinical testing. Allele origin: germline.
Comment: This sequence change replaces histidine, which is basic and polar, with arginine, which is basic and polar, at codon 48 of the INSR protein (p.His48Arg). This variant is present in population databases (no rsID available, gnomAD 0.0009%). This variant has not been reported in the literature in individuals affected with INSR-related conditions. ClinVar contains an entry for this variant (Variation ID: 1463036). Advanced modeling of protein sequence and biophysical properties (such as structural, functional, and spatial information, amino acid conservation, physicochemical variation, residue mobility, and thermodynamic stability) performed at Invitae indicates that this missense variant is not expected to disrupt INSR protein function. In summary, the available evidence is currently insufficient to determine the role of this variant in disease. Therefore, it has been classified as a Variant of Uncertain Significance.

NM_000208.4(INSR):c.143A>G (p.His48Arg)

Gene: INSR (insulin receptor; minus strand). Cytogenetic location: 19p13.2.
Variant type: single nucleotide variant.
Coding change: c.143A>G on transcript NM_000208.4 (MANE Select); coding-DNA position 143, A replaced by G.
Protein change: p.His48Arg; replaces histidine 48 with arginine.
Molecular consequence: missense variant.
Genome position (GRCh38, 1-based): chr19:7,267,854, T>C on the plus strand (A>G on the coding strand, the complement: INSR is on the minus strand). VCF-style: chr19-7267854-T-C. GRCh37 (hg19) VCF-style: chr19-7267865-T-C.
Other names: c.143A>G, p.His48Arg (NM_001079817.3); short protein forms H48R.
Identifiers: ClinVar variation 1463036 (VCV001463036.3), dbSNP rs1364492874, ClinGen allele CA403160632.